The following is an entry in ClinVar:

NM_000138.5(FBN1):c.1891A>G (p.Thr631Ala)

Gene: FBN1 (fibrillin 1; minus strand). Cytogenetic location: 15q21.1.
Variant type: single nucleotide variant.
Coding change: c.1891A>G on transcript NM_000138.5 (MANE Select); coding-DNA position 1891, A replaced by G.
Protein change: p.Thr631Ala; replaces threonine 631 with alanine.
Molecular consequence: missense variant.
Genome position (GRCh38, 1-based): chr15:48,505,094, T>C on the plus strand (A>G on the coding strand, the complement: FBN1 is on the minus strand). VCF-style: chr15-48505094-T-C. GRCh37 (hg19) VCF-style: chr15-48797291-T-C.
Other names: c.1891A>G, p.Thr631Ala (NM_001406716.1); short protein forms T631A.
Identifiers: ClinVar variation 3754088 (VCV003754088.2).
Genomic context (GRCh38, chr15:48,505,094, plus strand): 5'-CACGGCCATCCAGACCCACAGCCAGTCCAGGGAAGCATTCACATCTGTAGGAGCCATCAG[T>C]GTTGACGCAACGCCCATTCATGCAGATCCCAGGGGTTTCACACTCGTTAATGTCTGTGGC-3'
Protein context (NP_000129.3, residues 621-641): GICMNGRCVN[Thr631Ala]DGSYRCECFP

ClinVar aggregate classification (germline): Likely pathogenic (1 of 4 stars; one submission).

Conditions:
Marfan syndrome (MFS). Also called: MARFAN SYNDROME, TYPE I; Marfan syndrome type 1; Marfan's syndrome; Marfan syndrome, classic; FBN1-Related Marfan Syndrome. Identifiers: Orphanet 284963, Orphanet 558, MedGen C0024796, MONDO:0007947, OMIM 154700.
Familial thoracic aortic aneurysm and aortic dissection (TAAD). Also called: Thoracic aortic aneurysms and dissections. Identifiers: Orphanet 91387, MedGen C4707243, MONDO:0019625.

Submission:

Labcorp Genetics (formerly Invitae), Labcorp
Classification: Likely pathogenic for Marfan syndrome; Familial thoracic aortic aneurysm and aortic dissection. Last evaluated: 2024-06-26. Review status: criteria provided, single submitter. Criteria: Invitae Variant Classification Sherloc (09022015). Collection method: clinical testing. Allele origin: germline.
Comment: This sequence change replaces threonine, which is neutral and polar, with alanine, which is neutral and non-polar, at codon 631 of the FBN1 protein (p.Thr631Ala). This variant is not present in population databases (gnomAD no frequency). This variant has not been reported in the literature in individuals affected with FBN1-related conditions. Advanced modeling of protein sequence and biophysical properties (such as structural, functional, and spatial information, amino acid conservation, physicochemical variation, residue mobility, and thermodynamic stability) performed at Invitae indicates that this missense variant is expected to disrupt FBN1 protein function with a positive predictive value of 95%. This variant disrupts the p.Thr631 amino acid residue in FBN1. Other variant(s) that disrupt this residue have been determined to be pathogenic (Invitae). This suggests that this residue is clinically significant, and that variants that disrupt this residue are likely to be disease-causing. In summary, the currently available evidence indicates that the variant is pathogenic, but additional data are needed to prove that conclusively. Therefore, this variant has been classified as Likely Pathogenic.